The following is an entry in ClinVar:

NM_001080449.3(DNA2):c.1871del (p.Lys624fs)

Gene: DNA2 (DNA replication helicase/nuclease 2; minus strand). Cytogenetic location: 10q21.3.
Variant type: Deletion.
Coding change: c.1871del on transcript NM_001080449.3 (MANE Select); coding-DNA position 1871, one base deleted (A; older notation c.1871delA).
Protein change: p.Lys624fs; shifts the reading frame from lysine 624.
Molecular consequence: frameshift variant. On other transcripts: non-coding transcript variant (1).
Genome position (GRCh38, 1-based): chr10:68,432,208, T deleted on the plus strand (A on the coding strand, the reverse complement: DNA2 is on the minus strand); the first of 3 consecutive T bases (chr10:68,432,208-68,432,210); deleting any one gives the same sequence. VCF-style (leftmost placement, unchanged base first): chr10-68432207-CT-C. GRCh37 (hg19) VCF-style: chr10-70191964-CT-C.
Other names: c.1871delA (NM_001080449.3); short protein forms K624fs.
Identifiers: ClinVar variation 3650985 (VCV003650985.3).

ClinVar aggregate classification (germline): Conflicting classifications of pathogenicity. Review status: criteria provided, conflicting classifications (1 of 4 stars). 2 submissions from 2 submitters: Likely pathogenic (1); Uncertain significance (1). Last evaluated 2024-04-25.

Conditions:
Seckel syndrome 8 (SCKL8). Identifiers: Orphanet 808, MedGen C3891452, MONDO:0014350, OMIM 615807.
Rothmund-Thomson syndrome type 4. Identifiers: MedGen C5935619, MONDO:0970950, OMIM 620819.
Mitochondrial DNA deletion syndrome with progressive myopathy. Also called: PROGRESSIVE EXTERNAL OPHTHALMOPLEGIA, AUTOSOMAL DOMINANT 6; Progressive external ophthalmoplegia with mitochondrial DNA deletions, autosomal dominant 6. Identifiers: Orphanet 352470, MedGen C3554599, MONDO:0014062, OMIM 615156.

Submissions (2):

Labcorp Genetics (formerly Invitae), Labcorp
Classification: Uncertain significance. Last evaluated: 2024-04-25. Review status: criteria provided, single submitter. Criteria: Invitae Variant Classification Sherloc (09022015). Collection method: clinical testing. Allele origin: germline.
Comment: This sequence change creates a premature translational stop signal (p.Lys624Argfs*3) in the DNA2 gene. It is expected to result in an absent or disrupted protein product. However, the current clinical and genetic evidence is not sufficient to establish whether loss-of-function variants in DNA2 cause disease. This variant is not present in population databases (gnomAD no frequency). This variant has not been reported in the literature in individuals affected with DNA2-related conditions. In summary, the available evidence is currently insufficient to determine the role of this variant in disease. Therefore, it has been classified as a Variant of Uncertain Significance.

Kariminejad - Najmabadi Pathology & Genetics Center
Classification: Likely pathogenic for Mitochondrial DNA deletion syndrome with progressive myopathy; Rothmund-Thomson syndrome type 4; Seckel syndrome 8. Last evaluated: 2021-05-29. Review status: criteria provided, single submitter. Criteria: ACMG Guidelines, 2015. Collection method: clinical testing. Allele origin: germline. Inheritance: Autosomal dominant inheritance. Affected: yes.
Comment: PM2, PVS1